The following is an entry in ClinVar:

NM_001277115.2(DNAH11):c.12046T>G (p.Tyr4016Asp)

Gene: DNAH11 (dynein axonemal heavy chain 11; plus strand). Cytogenetic location: 7p15.3.
Variant type: single nucleotide variant.
Coding change: c.12046T>G on transcript NM_001277115.2 (MANE Select); coding-DNA position 12046, T replaced by G.
Protein change: p.Tyr4016Asp; replaces tyrosine 4016 with aspartic acid.
Molecular consequence: missense variant.
Genome position (GRCh38, 1-based): chr7:21,873,352, T>G. VCF-style: chr7-21873352-T-G. GRCh37 (hg19) VCF-style: chr7-21912970-T-G.
Other names: short protein forms Y4016D.
Identifiers: ClinVar variation 1415716 (VCV001415716.9), dbSNP rs747067327, ClinGen allele CA366963104.

ClinVar aggregate classification (germline): Conflicting classifications of pathogenicity. Review status: criteria provided, conflicting classifications (1 of 4 stars). 3 submissions from 3 submitters: Likely pathogenic (1); Uncertain significance (2). Last evaluated 2026-06-29.

Conditions:
DNAH11-related disorder. Also called: DNAH11-related condition.
Primary ciliary dyskinesia. Also called: Ciliary dyskinesia. Identifiers: Orphanet 244, MedGen C0008780, MONDO:0016575, HP:0012265.

Allele frequency attached by ClinVar (database versions not stated): gnomAD 0.00001.
gnomAD v4.1: 2 of 1,613,526 alleles (0.00012%); highest among the groups gnomAD compares: African/African-American, 0.0013%; no homozygotes.

Submissions (3):

PreventionGenetics, part of Exact Sciences
Classification: Uncertain significance for DNAH11-related condition. Last evaluated: 2026-06-29. Review status: criteria provided, single submitter. Criteria: ACMG Guidelines, 2015. Collection method: clinical testing. Allele origin: germline.
Comment: The DNAH11 c.12046T>G variant is predicted to result in the amino acid substitution p.Tyr4016Asp. To our knowledge, this variant has not been reported in the literature or in a large population database (gnomAD), indicating this variant is rare. At this time, the clinical significance of this variant is uncertain due to the absence of conclusive functional and genetic evidence.

Labcorp Genetics (formerly Invitae), Labcorp
Classification: Likely pathogenic for Primary ciliary dyskinesia. Last evaluated: 2025-06-09. Review status: criteria provided, single submitter. Criteria: Invitae Variant Classification Sherloc (09022015). Collection method: clinical testing. Allele origin: germline.
Comment: This sequence change replaces tyrosine, which is neutral and polar, with aspartic acid, which is acidic and polar, at codon 4016 of the DNAH11 protein (p.Tyr4016Asp). This variant is not present in population databases (gnomAD no frequency). This missense change has been observed in individual(s) with DNAH11-related conditions (internal data). In at least one individual the data is consistent with being in trans (on the opposite chromosome) from a pathogenic variant. ClinVar contains an entry for this variant (Variation ID: 1415716). Invitae Evidence Modeling of protein sequence and biophysical properties (such as structural, functional, and spatial information, amino acid conservation, physicochemical variation, residue mobility, and thermodynamic stability) indicates that this missense variant is not expected to disrupt DNAH11 protein function with a negative predictive value of 95%. In summary, the currently available evidence indicates that the variant is pathogenic, but additional data are needed to prove that conclusively. Therefore, this variant has been classified as Likely Pathogenic.

Ambry Genetics
Classification: Uncertain significance for Primary ciliary dyskinesia. Last evaluated: 2022-02-24. Review status: criteria provided, single submitter. Criteria: Ambry Variant Classification Scheme 2023. Collection method: clinical testing. Allele origin: germline.
Comment: The p.Y4016D variant (also known as c.12046T>G), located in coding exon 74 of the DNAH11 gene, results from a T to G substitution at nucleotide position 12046. The tyrosine at codon 4016 is replaced by aspartic acid, an amino acid with highly dissimilar properties. This amino acid position is well conserved in available vertebrate species. In addition, the in silico prediction for this alteration is inconclusive. Since supporting evidence is limited at this time, the clinical significance of this alteration remains unclear.